The following is an entry in ClinVar:

ClinVar aggregate classification (germline): Benign (1 of 4 stars; one submission).

Submission:

GeneDx
Classification: Benign. Last evaluated: 2018-06-19. Review status: criteria provided, single submitter. Criteria: GeneDx Variant Classification (06012015). Collection method: clinical testing. Allele origin: germline. Affected: yes.
Comment: This variant is considered likely benign or benign based on one or more of the following criteria: it is a conservative change, it occurs at a poorly conserved position in the protein, it is predicted to be benign by multiple in silico algorithms, and/or has population frequency not consistent with disease.

NM_001244008.2(KIF1A):c.430-262_430-229del

Gene: KIF1A (kinesin family member 1A; minus strand). Cytogenetic location: 2q37.3.
Variant type: Deletion.
Coding change: c.430-262_430-229del on transcript NM_001244008.2 (MANE Select); 262 bases into the intron before coding-DNA position 430 through 229 bases into the intron before coding-DNA position 430, 34 bases deleted.
Molecular consequence: intron variant.
Genome position (GRCh38, 1-based): chr2:240,786,742-240,786,775, 34 bases deleted; deleting any 34 consecutive bases within chr2:240,786,742-240,786,777 gives the same sequence; the c. name uses the placement nearest the transcript's 3' end. GRCh37 (hg19): chr2:241,726,161-241,726,194.
Other names: c.430-262_430-229del (NM_001379653.1, NM_001379650.1, NM_001379645.1 and 20 more transcripts).
Identifiers: ClinVar variation 671935 (VCV000671935.1), dbSNP rs1187960090, ClinGen allele CA540753140.
Genomic context (GRCh38, chr2:240,786,741, plus strand): 5'-CCCCTGAGGGGATGGGAGCCAGCATCAGGACCCCTGAGTGAGGGGGTGGGGGCTGCCTGC[TGGGCCCCTGAGTGAGAGGGTAGGGGCCACCATCA>T]GGACCCCTGAGTGAGGGGGTGGGGGCTGCCATCAGGACCCCTGAGTGAGAGGGTGGGGGC-3'